The following is an entry in ClinVar:

ClinVar aggregate classification (germline): Uncertain significance (1 of 4 stars; one submission).

Conditions:
Hereditary breast ovarian cancer syndrome. Also called: Hereditary breast and ovarian cancer syndrome (HBOC); BRCA1- and BRCA2-Associated Hereditary Breast and Ovarian Cancer; Hereditary breast and ovarian cancer syndrome; Breast and ovarian cancer; Hereditary breast and ovarian cancer; Hereditary breast and/or ovarian cancer syndrome. Identifiers: Orphanet 145, MedGen C0677776, MeSH D061325, MONDO:0003582. Disease mechanism: loss of function.

Submission:

Labcorp Genetics (formerly Invitae), Labcorp
Classification: Uncertain significance for Hereditary breast ovarian cancer syndrome. Last evaluated: 2025-05-11. Review status: criteria provided, single submitter. Criteria: Invitae Variant Classification Sherloc (09022015). Collection method: clinical testing. Allele origin: germline.
Comment: This sequence change replaces threonine, which is neutral and polar, with isoleucine, which is neutral and non-polar, at codon 251 of the BRCA2 protein (p.Thr251Ile). This variant is not present in population databases (gnomAD no frequency). This missense change has been observed in individual(s) with ovarian cancer (PMID: 30555256). ClinVar contains an entry for this variant (Variation ID: 531332). Invitae Evidence Modeling of protein sequence and biophysical properties (such as structural, functional, and spatial information, amino acid conservation, physicochemical variation, residue mobility, and thermodynamic stability) indicates that this missense variant is not expected to disrupt BRCA2 protein function with a negative predictive value of 95%. In summary, the available evidence is currently insufficient to determine the role of this variant in disease. Therefore, it has been classified as a Variant of Uncertain Significance.

Literature cited by the submitters: PubMed 30555256.

NM_000059.4(BRCA2):c.752C>T (p.Thr251Ile)

Gene: BRCA2 (BRCA2 DNA repair associated; plus strand). Cytogenetic location: 13q13.1.
Variant type: single nucleotide variant.
Coding change: c.752C>T on transcript NM_000059.4 (MANE Select); coding-DNA position 752, C replaced by T.
Protein change: p.Thr251Ile; replaces threonine 251 with isoleucine.
Molecular consequence: missense variant.
Genome position (GRCh38, 1-based): chr13:32,330,989, C>T. VCF-style: chr13-32330989-C-T. GRCh37 (hg19) VCF-style: chr13-32905126-C-T.
Other names: short protein forms T251I.
Identifiers: ClinVar variation 531332 (VCV000531332.10), dbSNP rs587781513, ClinGen allele CA387760102.